The following is an entry in ClinVar:

NM_000038.6(APC):c.7051C>G (p.Pro2351Ala)

Gene: APC (APC regulator of Wnt signaling pathway; plus strand). Cytogenetic location: 5q22.2.
Variant type: single nucleotide variant.
Coding change: c.7051C>G on transcript NM_000038.6 (MANE Select); coding-DNA position 7051, C replaced by G.
Protein change: p.Pro2351Ala; replaces proline 2351 with alanine.
Molecular consequence: missense variant.
Genome position (GRCh38, 1-based): chr5:112,842,645, C>G. VCF-style: chr5-112842645-C-G. GRCh37 (hg19) VCF-style: chr5-112178342-C-G.
Other names: c.7081C>G, p.Pro2361Ala (NM_001354897.2); c.6976C>G, p.Pro2326Ala (NM_001354898.2); c.6967C>G, p.Pro2323Ala (NM_001354899.2); c.6928C>G, p.Pro2310Ala (NM_001354900.2); c.6874C>G, p.Pro2292Ala (NM_001354901.2, NM_001407453.1); c.6778C>G, p.Pro2260Ala (NM_001354902.2); c.6748C>G, p.Pro2250Ala (NM_001354903.2, NM_001407458.1, NM_001407459.1 and 1 more transcripts); c.6673C>G, p.Pro2225Ala (NM_001354904.2); and 11 more; short protein forms P2260A, P2310A, P2326A, P2361A, P2225A, P2292A, P2323A, P2344A.
Identifiers: ClinVar variation 1756894 (VCV001756894.2), dbSNP rs2149978977, ClinGen allele CA16036696.

ClinVar aggregate classification (germline): Uncertain significance (1 of 4 stars; one submission).

Conditions:
Hereditary cancer-predisposing syndrome. Also called: Neoplastic Syndromes, Hereditary; Tumor predisposition; Hereditary Cancer Syndrome; Hereditary neoplastic syndrome. Identifiers: Orphanet 140162, MedGen C0027672, MeSH D009386, MONDO:0015356.

Submission:

Ambry Genetics
Classification: Uncertain significance for Hereditary cancer-predisposing syndrome. Last evaluated: 2022-06-13. Review status: criteria provided, single submitter. Criteria: Ambry Variant Classification Scheme 2023. Collection method: clinical testing. Allele origin: germline.
Comment: The p.P2351A variant (also known as c.7051C>G), located in coding exon 15 of the APC gene, results from a C to G substitution at nucleotide position 7051. The proline at codon 2351 is replaced by alanine, an amino acid with highly similar properties. This amino acid position is conserved. In addition, in silico predictors for this gene do not accurately predict pathogenicity. Since supporting evidence is limited at this time, the clinical significance of this alteration remains unclear.